The following is an entry in ClinVar:

NM_000383.4(AIRE):c.1199C>T (p.Pro400Leu)

Gene: AIRE (autoimmune regulator; plus strand). Cytogenetic location: 21q22.3.
Variant type: single nucleotide variant.
Coding change: c.1199C>T on transcript NM_000383.4 (MANE Select); coding-DNA position 1199, C replaced by T.
Protein change: p.Pro400Leu; replaces proline 400 with leucine.
Molecular consequence: missense variant.
Genome position (GRCh38, 1-based): chr21:44,293,096, C>T. VCF-style: chr21-44293096-C-T. GRCh37 (hg19) VCF-style: chr21-45712979-C-T.
Other names: short protein forms P400L.
Identifiers: ClinVar variation 781596 (VCV000781596.17), dbSNP rs142366324, ClinGen allele CA10051987.

ClinVar aggregate classification (germline): Conflicting classifications of pathogenicity. Review status: criteria provided, conflicting classifications (1 of 4 stars). 6 submissions from 6 submitters: Uncertain significance (1); Benign (1); Likely benign (2). 2 of the submissions do not count toward it. Last evaluated 2026-02-04.

Conditions:
AIRE-related disorder. Also called: AIRE-related condition.
Polyglandular autoimmune syndrome, type 1 (APS1). Also called: HYPOADRENOCORTICISM WITH HYPOPARATHYROIDISM AND SUPERFICIAL MONILIASIS; Autoimmune polyendocrine syndrome type 1; Autoimmune polyendocrinopathy syndrome, type I; AUTOIMMUNE POLYENDOCRINE SYNDROME, TYPE I, WITH OR WITHOUT REVERSIBLE METAPHYSEAL DYSPLASIA; APS I; Autoimmune polyendocrinopathy syndrome , type I, with or without reversible metaphyseal dysplasia. Identifiers: Orphanet 3453, MedGen C0085859, MONDO:0009411, OMIM 240300.

Allele frequency attached by ClinVar (database versions not stated): gnomAD exomes 0.00024 and 0.00061; ExAC 0.00071; 1000 Genomes Project 0.00140; 1000 Genomes Project 30x 0.00141; gnomAD 0.00200 and 0.00212; TOPMed 0.00215.
gnomAD v4.1: 712 of 1,609,840 alleles (0.044%); highest among the groups gnomAD compares: African/African-American, 0.47%; 3 homozygotes.

Submissions (6):

Labcorp Genetics (formerly Invitae), Labcorp
Classification: Benign for Polyglandular autoimmune syndrome, type 1. Last evaluated: 2026-02-04. Review status: criteria provided, single submitter. Criteria: Invitae Variant Classification Sherloc (09022015). Collection method: clinical testing. Allele origin: germline.

Women's Health and Genetics/Laboratory Corporation of America, LabCorp
Classification: Uncertain significance. Last evaluated: 2025-09-19. Review status: criteria provided, single submitter. Criteria: LabCorp Variant Classification Summary - May 2015. Collection method: clinical testing. Allele origin: germline.

Blueprint Genetics
Classification: Likely benign. Last evaluated: 2024-11-12. Review status: criteria provided, single submitter. Criteria: ACMG Guidelines, 2015. Collection method: clinical testing. Allele origin: germline.

Department of Pathology and Laboratory Medicine, Sinai Health System
Classification: Likely benign for autoimmune polyendocrine syndrome type 1. Last evaluated: 2021-07-30. Review status: criteria provided, single submitter. Criteria: ACMG Guidelines, 2015. Collection method: research. Allele origin: germline.

PreventionGenetics, part of Exact Sciences
Classification: Likely benign for AIRE-related condition. Last evaluated: 2021-06-15. Review status: no assertion criteria provided. Collection method: clinical testing. Allele origin: germline. Not counted in ClinVar's aggregate classification.
Comment: This variant is classified as likely benign based on ACMG/AMP sequence variant interpretation guidelines (Richards et al. 2015 PMID: 25741868, with internal and published modifications).

Natera, Inc.
Classification: Benign for Polyglandular autoimmune syndrome type 1. Last evaluated: 2019-11-11. Review status: no assertion criteria provided. Collection method: clinical testing. Allele origin: germline. Not counted in ClinVar's aggregate classification.